The following is an entry in ClinVar:

ClinVar aggregate classification (germline): Uncertain significance. Review status: criteria provided, multiple submitters, no conflicts (2 of 4 stars). 2 submissions from 2 submitters: Uncertain significance (2). Last evaluated 2023-12-11.

Conditions:
Hereditary nonpolyposis colorectal neoplasms. Identifiers: MedGen C0009405, MeSH D003123.
Hereditary cancer-predisposing syndrome. Also called: Hereditary neoplastic syndrome; Neoplastic Syndromes, Hereditary; Hereditary Cancer Syndrome; Tumor predisposition. Identifiers: Orphanet 140162, MedGen C0027672, MeSH D009386, MONDO:0015356.

Submissions (2):

Labcorp Genetics (formerly Invitae), Labcorp
Classification: Uncertain significance for Hereditary nonpolyposis colorectal neoplasms. Last evaluated: 2023-12-11. Review status: criteria provided, single submitter. Criteria: Invitae Variant Classification Sherloc (09022015). Collection method: clinical testing. Allele origin: germline.
Comment: This sequence change replaces threonine, which is neutral and polar, with asparagine, which is neutral and polar, at codon 605 of the MSH6 protein (p.Thr605Asn). This variant is not present in population databases (gnomAD no frequency). This variant has not been reported in the literature in individuals affected with MSH6-related conditions. ClinVar contains an entry for this variant (Variation ID: 658746). Advanced modeling of protein sequence and biophysical properties (such as structural, functional, and spatial information, amino acid conservation, physicochemical variation, residue mobility, and thermodynamic stability) has been performed at Invitae for this missense variant, however the output from this modeling did not meet the statistical confidence thresholds required to predict the impact of this variant on MSH6 protein function. In summary, the available evidence is currently insufficient to determine the role of this variant in disease. Therefore, it has been classified as a Variant of Uncertain Significance.

Ambry Genetics
Classification: Uncertain significance for Hereditary cancer-predisposing syndrome. Last evaluated: 2020-04-07. Review status: criteria provided, single submitter. Criteria: Ambry Variant Classification Scheme 2023. Collection method: clinical testing. Allele origin: germline.
Comment: The p.T605N variant (also known as c.1814C>A), located in coding exon 4 of the MSH6 gene, results from a C to A substitution at nucleotide position 1814. The threonine at codon 605 is replaced by asparagine, an amino acid with similar properties. This amino acid position is highly conserved in available vertebrate species. In addition, the in silico prediction for this alteration is inconclusive. Since supporting evidence is limited at this time, the clinical significance of this alteration remains unclear.

NM_000179.3(MSH6):c.1814C>A (p.Thr605Asn)

Gene: MSH6 (mutS homolog 6; plus strand). Cytogenetic location: 2p16.3.
Variant type: single nucleotide variant.
Coding change: c.1814C>A on transcript NM_000179.3 (MANE Select); coding-DNA position 1814, C replaced by A.
Protein change: p.Thr605Asn; replaces threonine 605 with asparagine.
Molecular consequence: missense variant.
Genome position (GRCh38, 1-based): chr2:47,799,797, C>A. VCF-style: chr2-47799797-C-A. GRCh37 (hg19) VCF-style: chr2-48026936-C-A.
Other names: c.1424C>A, p.Thr475Asn (NM_001281492.2); c.908C>A, p.Thr303Asn (NM_001281493.2, NM_001281494.2); short protein forms T605N, T303N, T475N.
Identifiers: ClinVar variation 658746 (VCV000658746.11), dbSNP rs587781616, ClinGen allele CA346749408.